The following is an entry in ClinVar:

NC_000017.10:g.(?_29556414)_(29622646_?)del

Genes: NF1 (neurofibromin 1; plus strand), OMG (oligodendrocyte myelin glycoprotein; minus strand). Cytogenetic location: 17q11.2.
Variant type: Deletion.
Identifiers: ClinVar variation 3242906 (VCV003242906.1).

ClinVar aggregate classification (germline): Likely pathogenic (1 of 4 stars; one submission).

Conditions:
Neurofibromatosis, type 1 (NF1). Also called: VON RECKLINGHAUSEN DISEASE; Neurofibromatosis, type I; Peripheral type neurofibromatosis; NEUROFIBROMATOSIS, TYPE I, SOMATIC. Identifiers: Orphanet 636, MedGen C0027831, MONDO:0018975, OMIM 162200. Disease mechanism: loss of function.

Submission:

Labcorp Genetics (formerly Invitae), Labcorp
Classification: Likely pathogenic for Neurofibromatosis, type 1. Last evaluated: 2023-12-18. Review status: criteria provided, single submitter. Criteria: Invitae Variant Classification Sherloc (09022015). Collection method: clinical testing. Allele origin: unknown.
Comment: This variant results in the deletion of part of exon 21 through exon 35 (c.2781_4773-30192del) of the NF1 gene. It is expected to disrupt RNA splicing. Variants that disrupt the donor or acceptor splice site typically lead to a loss of protein function (PMID: 16199547), and loss-of-function variants in NF1 are known to be pathogenic (PMID: 10712197, 23913538). This variant has not been reported in the literature in individuals affected with NF1-related conditions. Experimental studies and prediction algorithms are not available or were not evaluated, and the functional significance of this variant is currently unknown. In summary, the currently available evidence indicates that the variant is pathogenic, but additional data are needed to prove that conclusively. Therefore, this variant has been classified as Likely Pathogenic.

Literature cited by the submitters: PubMed 16199547; PubMed 10712197; PubMed 23913538.